The following is an entry in ClinVar:

NM_000493.4(COL10A1):c.1561A>T (p.Met521Leu)

Genes: COL10A1 (collagen type X alpha 1 chain; minus strand), NT5DC1 (5'-nucleotidase domain containing 1; plus strand). Cytogenetic location: 6q22.1.
Variant type: single nucleotide variant.
Coding change: c.1561A>T on transcript NM_000493.4 (MANE Select); coding-DNA position 1561, A replaced by T.
Protein change: p.Met521Leu; replaces methionine 521 with leucine.
Molecular consequence: missense variant. On other transcripts: intron variant (1).
Genome position (GRCh38, 1-based): chr6:116,120,555, T>A on the plus strand (A>T on the coding strand, the complement: COL10A1 is on the minus strand). VCF-style: chr6-116120555-T-A. GRCh37 (hg19) VCF-style: chr6-116441718-T-A.
Other names: c.1561A>T, p.Met521Leu (NM_001424106.1, NM_001424107.1); c.529+2610T>A (NM_152729.3); short protein forms M521L.
Identifiers: ClinVar variation 1903522 (VCV001903522.5), dbSNP rs764643981, ClinGen allele CA3968151.

ClinVar aggregate classification (germline): Uncertain significance (1 of 4 stars; one submission).

Allele frequency attached by ClinVar (database versions not stated): gnomAD exomes 0.00001; ExAC 0.00002; TOPMed 0.00002; gnomAD 0.00003.
gnomAD v4.1: 26 of 1,612,034 alleles (0.0016%); highest among the groups gnomAD compares: Non-Finnish European, 0.0019%; no homozygotes.

Submission:

Labcorp Genetics (formerly Invitae), Labcorp
Classification: Uncertain significance. Last evaluated: 2024-04-25. Review status: criteria provided, single submitter. Criteria: Invitae Variant Classification Sherloc (09022015). Collection method: clinical testing. Allele origin: germline.
Comment: This sequence change replaces methionine, which is neutral and non-polar, with leucine, which is neutral and non-polar, at codon 521 of the COL10A1 protein (p.Met521Leu). This variant is present in population databases (rs764643981, gnomAD 0.007%). This variant has not been reported in the literature in individuals affected with COL10A1-related conditions. ClinVar contains an entry for this variant (Variation ID: 1903522). Algorithms developed to predict the effect of missense changes on protein structure and function output the following: SIFT: "Not Available"; PolyPhen-2: "Benign"; Align-GVGD: "Not Available". The leucine amino acid residue is found in multiple mammalian species, which suggests that this missense change does not adversely affect protein function. In summary, the available evidence is currently insufficient to determine the role of this variant in disease. Therefore, it has been classified as a Variant of Uncertain Significance.